The following is an entry in ClinVar:

NM_020884.7(MYH7B):c.2720A>T (p.Asp907Val)

Gene: MYH7B (myosin heavy chain 7B; plus strand). Cytogenetic location: 20q11.22.
Variant type: single nucleotide variant.
Coding change: c.2720A>T on transcript NM_020884.7 (MANE Select); coding-DNA position 2720, A replaced by T.
Protein change: p.Asp907Val; replaces aspartic acid 907 with valine.
Molecular consequence: missense variant.
Genome position (GRCh38, 1-based): chr20:34,995,355, A>T. VCF-style: chr20-34995355-A-T. GRCh37 (hg19) VCF-style: chr20-33583158-A-T.
Other names: short protein forms D907V.
Identifiers: ClinVar variation 4740877 (VCV004740877.1).
Genomic context (GRCh38, chr20:34,995,355, plus strand): 5'-TGGCCCTCCCCCAACCTGGCCCCGTTCCGTGTGCCCTCCAGGAGCAGGACAACCTGGCAG[A>T]TGCCGAGGAGCGCTGCCACTTGCTGATCAAGTCCAAGGTGCAGCTGGAGGGGAAGGTGAA-3'
Protein context (NP_065935.4, residues 897-917): QLQAEQDNLA[Asp907Val]AEERCHLLIK

ClinVar aggregate classification (germline): Uncertain significance (1 of 4 stars; one submission).

Submission:

Labcorp Genetics (formerly Invitae), Labcorp
Classification: Uncertain significance. Last evaluated: 2025-06-22. Review status: criteria provided, single submitter. Criteria: Invitae Variant Classification Sherloc (09022015). Collection method: clinical testing. Allele origin: germline.
Comment: This sequence change replaces aspartic acid, which is acidic and polar, with valine, which is neutral and non-polar, at codon 949 of the MYH7B protein (p.Asp949Val). This variant is not present in population databases (gnomAD no frequency). This variant has not been reported in the literature in individuals affected with MYH7B-related conditions. Invitae Evidence Modeling of protein sequence and biophysical properties (such as structural, functional, and spatial information, amino acid conservation, physicochemical variation, residue mobility, and thermodynamic stability) has been performed for this missense variant. However, the output from this modeling did not meet the statistical confidence thresholds required to predict the impact of this variant on MYH7B protein function. In summary, the available evidence is currently insufficient to determine the role of this variant in disease. Therefore, it has been classified as a Variant of Uncertain Significance.